The following continues an entry in ClinVar:

NM_001363711.2(DUOX2):c.2895_2898del (p.Phe966fs)

Gene: DUOX2. ClinVar aggregate classification (germline): Conflicting classifications of pathogenicity. Pathogenic (22); Likely pathogenic (3); Uncertain significance (1).

Submissions 14 to 28 of 28:

Women's Health and Genetics/Laboratory Corporation of America, LabCorp
Classification: Pathogenic for Thyroid dyshormonogenesis 6. Last evaluated: 2024-09-09. Review status: criteria provided, single submitter. Criteria: LabCorp Variant Classification Summary - May 2015. Collection method: clinical testing. Allele origin: germline.
Comment: Variant summary: DUOX2 c.2895_2898delGTTC (p.Phe966SerfsX29) results in a premature termination codon, predicted to cause a truncation of the encoded protein or absence of the protein due to nonsense mediated decay, which are commonly known mechanisms for disease. The variant allele was found at a frequency of 0.0029 in 250634 control chromosomes in the gnomAD database, including 5 homozygotes. c.2895_2898delGTTC has been reported in the literature in multiple individuals (heterozygous, homozygous and compound heterozygous states) affected with congenital hypothyroidism (example: Muzza_2014, Marketskaya_2018). These data indicate that the variant is very likely to be associated with disease. In functional assays, the variant resulted in reduced function (De Marco_2011). The following publications have been ascertained in the context of this evaluation (PMID: 24423310, 30240412, 21565790). ClinVar contains an entry for this variant (Variation ID: 189229). Based on the evidence outlined above, the variant was classified as pathogenic.

Fulgent Genetics
Classification: Pathogenic for Thyroid dyshormonogenesis 6. Last evaluated: 2024-06-13. Review status: criteria provided, single submitter. Criteria: ACMG Guidelines, 2015. Collection method: clinical testing. Allele origin: germline.

Department of Pathology and Laboratory Medicine, Sinai Health System
Classification: Pathogenic for Familial thyroid dyshormonogenesis; Thyroid dyshormonogenesis 6. Last evaluated: 2023-07-10. Review status: criteria provided, single submitter. Criteria: ACMG Guidelines, 2015. Collection method: research. Allele origin: germline.

GeneDx
Classification: Pathogenic. Last evaluated: 2022-08-02. Review status: criteria provided, single submitter. Criteria: GeneDx Variant Classification Process June 2021. Collection method: clinical testing. Allele origin: germline. Affected: yes.
Comment: Reported in the published literature, as S965fsX994 due to alternate nomenclature, in the heterozygous or compound heterozygous state in multiple individuals with partial iodide-organification defects and transient or permanent congenital hypothyroidism (Moreno et al., 2002; De Marco et al., 2011; Muzza et al., 2014); Published functional studies demonstrate complete inhibition of the hydrogen peroxide-generating activity as well as decreased cell surface expression (De Marco et al., 2011); Frameshift variant predicted to result in protein truncation or nonsense mediated decay in a gene for which loss-of-function is a known mechanism of disease; This variant is associated with the following publications: (PMID: 27821020, 30487145, 30609409, 31030636, 16322276, 24423310, 12110737, 28666341, 26990548, 30084132, 30240412, 31044655, 31028847, 32109542, 33124651, 31980526, 31589614, 33144682, 32765423, 34426522, 34248839, 21565790)

Genetics and Molecular Pathology, SA Pathology
Classification: Pathogenic for Thyroid dyshormonogenesis 6. Last evaluated: 2022-07-11. Review status: criteria provided, single submitter. Criteria: ACMG Guidelines, 2015. Collection method: clinical testing. Allele origin: germline. Inheritance: Autosomal recessive inheritance. Affected: yes.

Clinical Genetics Laboratory, Skane University Hospital Lund
Classification: Pathogenic. Last evaluated: 2022-05-27. Review status: criteria provided, single submitter. Criteria: ACMG Guidelines, 2015. Collection method: clinical testing. Allele origin: germline. Affected: yes.

Mendelics
Classification: Pathogenic for Thyroid dyshormonogenesis 6. Last evaluated: 2022-05-04. Review status: criteria provided, single submitter. Criteria: Mendelics Assertion Criteria 2019. Collection method: clinical testing. Allele origin: germline.

Laboratory for Molecular Medicine, Mass General Brigham Personalized Medicine
Classification: Pathogenic for Familial thyroid dyshormonogenesis. Last evaluated: 2020-06-16. Review status: criteria provided, single submitter. Criteria: ACMG Guidelines, 2015. Collection method: clinical testing. Allele origin: germline. Inheritance: Autosomal recessive inheritance.
Comment: The p.Phe966SerfsX29 variant in DUOX2 has been reported in at least 30 individuals with congenital hypothyroidism, of whom 7 were homozygous, 4 were reportedly compound heterozygous (although only 2 individuals were compound heterozygous for a clearly pathogenic variant), and 19 were heterozygous (Varela 2006 PMID:16322276, Chiesa 2010 PMID:20972728, De Marco 2011 PMID:21565790, Moreno 2012 PMID:12110737, Muzza 2014 PMID:24423310, Kizys 2017 PMID:28666341, Srichomkwun 2017 PMID:27821020, Makretskaya 2018 PMID:30240412). It has also been identified in 0.29% (829/281197) of total chromosomes, including 1.16% of Finnish chromosomes and 6 homozygous individuals, by gnomAD. Although this variant has been seen in the general population, its frequency is low enough to be consistent with a recessive carrier frequency. Functional studies demonstrate that this variant results in complete inhibition of hydrogen peroxide-generating activity as well as decreased cell surface expression compared to wild-type (De Marco 2011 PMID:21565790). This variant is predicted to cause a frameshift, which alters the protein’s amino acid sequence beginning at position 966 and leads to a premature termination codon 29 amino acids downstream. This alteration is then predicted to lead to a truncated or absent protein. Loss of function of the DUOX2 gene is an established disease mechanism in autosomal recessive congenital hypothyroidism. Finally, this variant has been reported as pathogenic and likely pathogenic in ClinVar (Variation ID 189229). In summary, this variant meets criteria to be classified as pathogenic for autosomal recessive congenital hypothyroidism. ACMG/AMP Criteria applied: PVS1, PM3, PS3_Supporting.

Genetics and Genomic Medicine Centre, NeuroGen Healthcare, NeuroGen Healthcare
Classification: Pathogenic for Thyroid dyshormonogenesis 6. Last evaluated: 2020-01-16. Review status: criteria provided, single submitter. Criteria: Submitter's publication. Collection method: clinical testing. Allele origin: unknown. Affected: no.

Breakthrough Genomics
Classification: Pathogenic for Thyroid dyshormonogenesis 6. Last evaluated: 2019-11-08. Review status: criteria provided, single submitter. Criteria: ACMG Guidelines, 2015. Collection method: clinical testing. Allele origin: germline. Affected: yes.
Comment: This variant has been previously reported in patients with congenital hypothyroidism in homozygous or compound heterozygous state and classified as pathogenic [PMID: 30240412, 28666341, 27821020, 24423310].

Rady Children's Institute for Genomic Medicine, Rady Children's Hospital San Diego
Classification: Likely pathogenic for THYROID DYSHORMONOGENESIS 6. Last evaluated: 2019-09-24. Review status: criteria provided, single submitter. Criteria: ACMG Guidelines, 2015. Collection method: clinical testing. Allele origin: germline. Affected: yes.
Comment: This four bp deletion in exon 22 of DUOX2, sometimes referred to as S965fsX994 in the literature, causes a frameshift and a premature stop codon at residue 994, and is predicted to result in loss of normal protein function through either protein truncation or nonsense-mediated mRNA decay. In the gnomAD population database this variant is present as heterozygous at a frequency of 0.297% (820/276458) and as homozygous in six individuals. This variant is a recurrent pathogenic alteration that has been reported in the literature as homozygous or compound heterozygous in multiple individuals with partial iodide-organification defects and transient or permanent congenital hypothyroidism (PMID: 12110737, 21565790, 24423310, 28666341, 31044655). This variant was shown to results in nonsense mediated mRNA decay (PMID: 24423310) and complete inhibition of the hydrogen peroxide-generating activity as well as decreased cell surface expression in in-vitro experiments based on expression of wild-type and mutant cDNA constructs in Hela cells (PMID: 24423310, 21565790). ClinVar contains an entry for this variant (Variation ID: 189229). Based on the available evidence, the c.2895_2898del (p.Phe966SerfsTer29) variant is classified as Likely Pathogenic.

Center for Pediatric Genomic Medicine, Children's Mercy Hospital and Clinics
Classification: Pathogenic. Last evaluated: 2017-02-02. Review status: criteria provided, single submitter. Criteria: ACMG Guidelines, 2015. Collection method: clinical testing. Allele origin: germline.

Neuberg Centre For Genomic Medicine, NCGM
Classification: Pathogenic for Thyroid dyshormonogenesis 6. Review status: criteria provided, single submitter. Criteria: ACMG Guidelines, 2015. Collection method: clinical testing. Allele origin: germline. Inheritance: Autosomal recessive inheritance. Affected: yes.
Comment: The frameshift c.2895_2898del (p.Phe966SerfsTer29) variant has been reported previously in homozygous and compound heterozygous state in patients affected with dyshormonogenic congenital hypothyroidism. Experimental studies have shown that this frameshift variant results in nonsense mediated decay (Muzza M. et al. 2014). The variant is reported with the allele frequency of 0.3% in gnomAD Exomes and 0.2% in 1000 Genomes. It has been submitted to ClinVar with varying interpretations: Pathogenic/ Likely Pathogenic. Loss of function variants have been previously reported to be disease causing. For these reasons, this variant has been classified as Pathogenic.

Reproductive Health Research and Development, BGI Genomics
Classification: Pathogenic for Congenital hypothyroidism. Last evaluated: 2020-01-06. Review status: no assertion criteria provided. Collection method: curation. Allele origin: germline. Not counted in ClinVar's aggregate classification.
Comment: NM_014080.4:c.2895_2898delGTTC in the DUOX2 gene has an allele frequency of 0.012 in European (Finnish) subpopulation in the gnomAD database.This variant is located in the 22nd exon (a total of 34 exons in the NM_014080.4 transcript), therefore, it is predicted to result in nonsense-mediated mRNA decay. Muzza et al reported four independent Italian families with dyshormonogenic Congenital Hypothyroidism, revealing compound heterozygous in trans (PMID: 24423310). Functional studies confirmed that this mutation is responsible for the defect in H2O2 production (PMID: 21565790). Taken together, we interprete this variant as Pathogenic/Likely pathogenic. ACMG/AMP criteria applied: PVS1; PS3; PM3_Strong

University of Washington Center for Mendelian Genomics, University of Washington
Classification: Likely pathogenic for Nongoitrous Euthyroid Hyperthyrotropinemia. Last evaluated: 2017-01-01. Review status: no assertion criteria provided. Collection method: research. Allele origin: unknown. Affected: yes. Observed: 1 compound heterozygote. Not counted in ClinVar's aggregate classification.

Literature cited by the submitters: PubMed 21565790 (cited by 6 submitters); PubMed 24423310 (cited by 7 submitters); PubMed 12110737 (cited by 4 submitters); PubMed 18765513 (cited by Labcorp Genetics (formerly Invitae), Labcorp); PubMed 24735383 (cited by Labcorp Genetics (formerly Invitae), Labcorp); PubMed 26990548 (cited by Ambry Genetics and Laboratory for Molecular Medicine, Mass General Brigham Personalized Medicine); PubMed 27525530 (cited by Ambry Genetics); PubMed 27821020 (cited by 5 submitters); PubMed 28666341 (cited by 3 submitters); PubMed 30084132 (cited by Ambry Genetics); PubMed 30240412 (cited by 5 submitters); PubMed 30487145 (cited by Ambry Genetics); PubMed 31044655 (cited by Ambry Genetics); PubMed 32765423 (cited by Ambry Genetics); PubMed 39126042 (cited by Ambry Genetics); PubMed 16322276 (cited by 3 submitters); PubMed 31030636 (cited by Variantyx, Inc.); PubMed 20972728 (cited by Mayo Clinic Laboratories, Mayo Clinic and Laboratory for Molecular Medicine, Mass General Brigham Personalized Medicine).